The following is an entry in ClinVar:

ClinVar aggregate classification (germline): Uncertain significance. Review status: criteria provided, multiple submitters, no conflicts (2 of 4 stars). 3 submissions from 3 submitters: Uncertain significance (3). Last evaluated 2026-06-24.

Conditions:
Hereditary cancer-predisposing syndrome. Also called: Tumor predisposition; Neoplastic Syndromes, Hereditary; Hereditary Cancer Syndrome; Hereditary neoplastic syndrome. Identifiers: Orphanet 140162, MedGen C0027672, MeSH D009386, MONDO:0015356.

Allele frequency attached by ClinVar (database versions not stated): TOPMed below 0.00001; gnomAD 0.00001.
gnomAD v4.1: 1 of 1,611,412 alleles (0.000062%); highest among the groups gnomAD compares: Non-Finnish European, 0.000085%; no homozygotes.

Submissions (3):

Ambry Genetics
Classification: Uncertain significance for Hereditary cancer-predisposing syndrome. Last evaluated: 2026-06-24. Review status: criteria provided, single submitter. Criteria: Ambry Variant Classification Scheme 2023. Collection method: clinical testing. Allele origin: germline.

Labcorp Genetics (formerly Invitae), Labcorp
Classification: Uncertain significance. Last evaluated: 2022-08-22. Review status: criteria provided, single submitter. Criteria: Invitae Variant Classification Sherloc (09022015). Collection method: clinical testing. Allele origin: germline.
Comment: In summary, the available evidence is currently insufficient to determine the role of this variant in disease. Therefore, it has been classified as a Variant of Uncertain Significance. Algorithms developed to predict the effect of sequence changes on RNA splicing suggest that this variant may create or strengthen a splice site. Algorithms developed to predict the effect of missense changes on protein structure and function (SIFT, PolyPhen-2, Align-GVGD) all suggest that this variant is likely to be tolerated. ClinVar contains an entry for this variant (Variation ID: 246326). This variant has not been reported in the literature in individuals affected with POLE-related conditions. This variant is not present in population databases (gnomAD no frequency). This sequence change replaces lysine, which is basic and polar, with arginine, which is basic and polar, at codon 1697 of the POLE protein (p.Lys1697Arg).

GeneDx
Classification: Uncertain significance. Last evaluated: 2016-01-20. Review status: criteria provided, single submitter. Criteria: GeneDx Variant Classification (06012015). Collection method: clinical testing. Allele origin: germline. Affected: yes.
Comment: This variant is denoted POLE c.5090A>G at the cDNA level, p.Lys1697Arg (K1697R) at the protein level, and results in the change of a Lysine to an Arginine (AAG>AGG). This variant has not, to our knowledge, been published in the literature as pathogenic or benign. POLE Lys1697Arg was not observed in approximately 6,500 individuals of European and African American ancestry in the NHLBI Exome Sequencing Project, suggesting it is not a common benign variant in these populations. Since Lysine and Arginine share similar properties, this is considered a conservative amino acid substitution. POLE Lys1697Arg occurs at a position that is conserved across species and is not located in a known functional domain. In silico analyses are inconsistent regarding the effect this variant may have on protein structure and function. Based on currently available evidence, it is unclear whether POLE Lys1697Arg is a pathogenic or benign variant. We consider it to be a variant of uncertain significance.

NM_006231.4(POLE):c.5090A>G (p.Lys1697Arg)

Gene: POLE (DNA polymerase epsilon, catalytic subunit; minus strand). Cytogenetic location: 12q24.33.
Variant type: single nucleotide variant.
Coding change: c.5090A>G on transcript NM_006231.4 (MANE Select); coding-DNA position 5090, A replaced by G.
Protein change: p.Lys1697Arg; replaces lysine 1697 with arginine.
Molecular consequence: missense variant.
Genome position (GRCh38, 1-based): chr12:132,642,260, T>C on the plus strand (A>G on the coding strand, the complement: POLE is on the minus strand). VCF-style: chr12-132642260-T-C. GRCh37 (hg19) VCF-style: chr12-133218846-T-C.
Other names: short protein forms K1697R.
Identifiers: ClinVar variation 246326 (VCV000246326.9), dbSNP rs879254207, ClinGen allele CA10584407.